The following is an entry in ClinVar:

NM_080605.4(B3GALT6):c.79C>T (p.Leu27Phe)

Gene: B3GALT6 (beta-1,3-galactosyltransferase 6; plus strand). Cytogenetic location: 1p36.33.
Variant type: single nucleotide variant.
Coding change: c.79C>T on transcript NM_080605.4 (MANE Select); coding-DNA position 79, C replaced by T.
Protein change: p.Leu27Phe; replaces leucine 27 with phenylalanine.
Molecular consequence: missense variant.
Genome position (GRCh38, 1-based): chr1:1,232,357, C>T. VCF-style: chr1-1232357-C-T. GRCh37 (hg19) VCF-style: chr1-1167737-C-T.
Other names: short protein forms L27F.
Identifiers: ClinVar variation 1940732 (VCV001940732.2), dbSNP rs1275399283, ClinGen allele CA337822236.

ClinVar aggregate classification (germline): Uncertain significance (1 of 4 stars; one submission).

Conditions:
Ehlers-Danlos syndrome, spondylodysplastic type, 2 (EDSSPD2). Also called: Ehlers-Danlos syndrome, progeroid type, 2. Identifiers: Orphanet 536467, Orphanet 75496, MedGen C3809210, MONDO:0014139, OMIM 615349.
Spondyloepimetaphyseal dysplasia with joint laxity (SEMDJL). Identifiers: MedGen C0432243, MONDO:0019675.

Allele frequency attached by ClinVar (database versions not stated): gnomAD 0.00001; TOPMed 0.00002; gnomAD exomes 0.00009.
gnomAD v4.1: 76 of 985,628 alleles (0.0077%); highest among the groups gnomAD compares: Non-Finnish European, 0.009%; no homozygotes.

Submission:

Labcorp Genetics (formerly Invitae), Labcorp
Classification: Uncertain significance for Ehlers-Danlos syndrome, spondylodysplastic type, 2; Spondyloepimetaphyseal dysplasia with joint laxity. Last evaluated: 2022-07-05. Review status: criteria provided, single submitter. Criteria: Invitae Variant Classification Sherloc (09022015). Collection method: clinical testing. Allele origin: germline.
Comment: This sequence change replaces leucine, which is neutral and non-polar, with phenylalanine, which is neutral and non-polar, at codon 27 of the B3GALT6 protein (p.Leu27Phe). The frequency data for this variant in the population databases is considered unreliable, as metrics indicate insufficient coverage at this position in the gnomAD database. This variant has not been reported in the literature in individuals affected with B3GALT6-related conditions. Algorithms developed to predict the effect of missense changes on protein structure and function are either unavailable or do not agree on the potential impact of this missense change (SIFT: "Deleterious"; PolyPhen-2: "Benign"; Align-GVGD: "Class C15"). In summary, the available evidence is currently insufficient to determine the role of this variant in disease. Therefore, it has been classified as a Variant of Uncertain Significance.